The following is an entry in ClinVar:

NM_133478.3(SLC4A5):c.3245_3246+1del

Gene: SLC4A5 (solute carrier family 4 member 5; minus strand). Cytogenetic location: 2p13.1.
Variant type: Microsatellite.
Coding change: c.3245_3246+1del on transcript NM_133478.3 (MANE Select); coding-DNA position 3245 through the canonical splice donor site of the intron after coding-DNA position 3246, 3 bases deleted (AGG; older notation c.3245_3246+1delAGG).
Molecular consequence: splice donor variant.
Genome position (GRCh38, 1-based): chr2:74,224,839-74,224,841, CCT deleted on the plus strand (AGG on the coding strand, the reverse complement: SLC4A5 is on the minus strand); deleting any 3 consecutive bases within chr2:74,224,839-74,224,845 gives the same sequence; the c. name uses the placement nearest the transcript's 3' end. VCF-style (leftmost placement, unchanged base first): chr2-74224838-ACCT-A. GRCh37 (hg19) VCF-style: chr2-74451965-ACCT-A.
Other names: c.2897_2898+1del (NM_001386136.1); c.3293_3294+1del (NM_021196.3).
Identifiers: ClinVar variation 2651063 (VCV002651063.24), dbSNP rs756736527, ClinGen allele CA1720159.
Genomic context (GRCh38, chr2:74,224,838, plus strand): 5'-GCAAAAGTGGAGAGAAGGTCTCTCAATTTCTCCTCTGTGCCCCGGCCTCACATCTTCCCC[ACCT>A]CCTCATCACAGTCCTCGTGGGCCCCTTTTTTTCTCTTCCTCTTCTTGTCTGTCTCCTTTT-3'

ClinVar aggregate classification (germline): Uncertain significance (1 of 4 stars; one submission).

Submission:

CeGaT Center for Human Genetics Tuebingen
Classification: Uncertain significance. Last evaluated: 2022-09-01. Review status: criteria provided, single submitter. Criteria: CeGaT Center For Human Genetics Tuebingen Variant Classification Criteria Version 2. Collection method: clinical testing. Allele origin: germline. Affected: yes. Observed: 1 variant allele.
Comment: SLC4A5: PM2